The following is an entry in ClinVar:

NM_005055.5(RAPSN):c.283_284insTGTGTATAAGAGACAGT (p.Lys95fs)

Gene: RAPSN (receptor associated protein of the synapse; minus strand). Cytogenetic location: 11p11.2.
Variant type: Insertion.
Coding change: c.283_284insTGTGTATAAGAGACAGT on transcript NM_005055.5 (MANE Select); coding-DNA positions 283 to 284, TGTGTATAAGAGACAGT inserted.
Protein change: p.Lys95fs; shifts the reading frame from lysine 95.
Molecular consequence: frameshift variant. On other transcripts: intron variant (1).
Genome position: GRCh38 VCF-style: chr11-47448059-T-TACTGTCTCTTATACACA. GRCh37 (hg19) VCF-style: chr11-47469611-T-TACTGTCTCTTATACACA.
Other names: c.283_284insTGTGTATAAGAGACAGT, p.Lys95fs (NM_001440490.1, NM_001440491.1, NM_001440492.1 and 12 more transcripts); c.192+713_192+714insTGTGTATAAGAGACAGT (NM_001440504.1); short protein forms K95fs.
Identifiers: ClinVar variation 5016378 (VCV005016378.1).

ClinVar aggregate classification (germline): Pathogenic (1 of 4 stars; one submission).

Conditions:
RAPSN-related disorder. Also called: RAPSN-related condition; RAPSN-related disorders. Identifiers: MedGen CN239397.

Submission:

Myriad Genetics, Inc.
Classification: Pathogenic for RAPSN-related disorder. Last evaluated: 2024-05-14. Review status: criteria provided, single submitter. Criteria: Myriad Autosomal Dominant, Autosomal Recessive and X-Linked Classification Criteria (2023). Collection method: clinical testing. Allele origin: unknown.
Comment: NM_005055.4(RAPSN):c.283_284ins17(K95Mfs*39) is expected to be pathogenic in the context of RAPSN-related disorders. This variant is predicted to lead to an abnormal or absent protein product due to the creation of a premature termination codon in RAPSN, a gene where loss-of-function variants are known to be pathogenic. Please note: this variant was assessed in the context of healthy population screening.